The following is an entry in ClinVar:

NM_000390.4(CHM):c.1609+3A>T

Gene: CHM (CHM Rab escort protein; minus strand). Cytogenetic location: Xq21.2.
Variant type: single nucleotide variant.
Coding change: c.1609+3A>T on transcript NM_000390.4 (MANE Select); 3 bases into the intron after coding-DNA position 1609, A replaced by T.
Molecular consequence: intron variant.
Genome position (GRCh38, 1-based): chrX:85,878,962, T>A on the plus strand (A>T on the coding strand, the complement: CHM is on the minus strand). VCF-style: chrX-85878962-T-A. GRCh37 (hg19) VCF-style: chrX-85133967-T-A.
Other names: c.1165+3A>T (NM_001362519.1, NM_001362517.1, NM_001320959.1 and 1 more transcripts).
Identifiers: ClinVar variation 1020967 (VCV001020967.6), dbSNP rs1924587237, ClinGen allele CA2442451012.
Genomic context (GRCh38, chrX:85,878,962, plus strand): 5'-ATCTAAGAAGATTATGATGGTTACATTACCTTTCCATCATGAGTTATCAATTATTTTTCT[T>A]ACCTATCTCCATTTCAGTATATGGAACAAACAATTTCTGCACAACTGATTCTAAATCTTC-3'

ClinVar aggregate classification (germline): Uncertain significance (1 of 4 stars; one submission).

Submission:

Labcorp Genetics (formerly Invitae), Labcorp
Classification: Uncertain significance. Last evaluated: 2022-10-17. Review status: criteria provided, single submitter. Criteria: Invitae Variant Classification Sherloc (09022015). Collection method: clinical testing. Allele origin: germline.
Comment: This variant disrupts the c.1609+3A nucleotide in the CHM gene. Other variant(s) that disrupt this nucleotide have been determined to be pathogenic (PMID: 9678418). This suggests that this nucleotide is clinically significant, and that variants that disrupt this position are likely to be disease-causing. Variants that disrupt the consensus splice site are a relatively common cause of aberrant splicing (PMID: 17576681, 9536098). Algorithms developed to predict the effect of sequence changes on RNA splicing suggest that this variant may disrupt the consensus splice site. ClinVar contains an entry for this variant (Variation ID: 1020967). This variant has not been reported in the literature in individuals affected with CHM-related conditions. This variant is not present in population databases (gnomAD no frequency). This sequence change falls in intron 13 of the CHM gene. It does not directly change the encoded amino acid sequence of the CHM protein. It affects a nucleotide within the consensus splice site. In summary, the available evidence is currently insufficient to determine the role of this variant in disease. Therefore, it has been classified as a Variant of Uncertain Significance.

Literature cited by the submitters: PubMed 9678418; PubMed 17576681; PubMed 9536098.